The following is an entry in ClinVar:

ClinVar aggregate classification (germline): Uncertain significance. Review status: criteria provided, single submitter (1 of 4 stars). 2 submissions from 2 submitters: Uncertain significance (1). 1 of the submissions does not count toward it. Last evaluated 2022-07-18.

Conditions:
SDCCAG8-related disorder. Also called: SDCCAG8-Related Disorders; SDCCAG8-related condition.
Senior-Loken syndrome 7 (SLSN7). Identifiers: Orphanet 3156, MedGen C3150877, MONDO:0013326, OMIM 613615.
Bardet-Biedl syndrome 16 (BBS16). Identifiers: Orphanet 110, MedGen C3889474, MONDO:0014444, OMIM 615993.

Submissions (2):

Labcorp Genetics (formerly Invitae), Labcorp
Classification: Uncertain significance for Bardet-Biedl syndrome 16; Senior-Loken syndrome 7. Last evaluated: 2022-07-18. Review status: criteria provided, single submitter. Criteria: Invitae Variant Classification Sherloc (09022015). Collection method: clinical testing. Allele origin: germline.
Comment: In summary, the available evidence is currently insufficient to determine the role of this variant in disease. Therefore, it has been classified as a Variant of Uncertain Significance. Experimental studies and prediction algorithms are not available or were not evaluated, and the functional significance of this variant is currently unknown. ClinVar contains an entry for this variant (Variation ID: 1004338). This variant has not been reported in the literature in individuals affected with SDCCAG8-related conditions. This variant is not present in population databases (gnomAD no frequency). This variant, c.966_977dup, results in the insertion of 4 amino acid(s) of the SDCCAG8 protein (p.Arg323_Leu326dup), but otherwise preserves the integrity of the reading frame.

PreventionGenetics, part of Exact Sciences
Classification: Uncertain significance for SDCCAG8-related condition. Last evaluated: 2024-06-24. Review status: no assertion criteria provided. Collection method: clinical testing. Allele origin: germline. Not counted in ClinVar's aggregate classification.
Comment: The SDCCAG8 c.966_977dup12 variant is predicted to result in an in-frame duplication (p.Arg323_Leu326dup). To our knowledge, this variant has not been reported in the literature or in a large population database, indicating this variant is rare. At this time, the clinical significance of this variant is uncertain due to the absence of conclusive functional and genetic evidence.

NM_006642.5(SDCCAG8):c.966_977dup (p.Arg323_Leu326dup)

Gene: SDCCAG8 (SHH signaling and ciliogenesis regulator SDCCAG8; plus strand). Cytogenetic location: 1q43.
Variant type: Duplication.
Coding change: c.966_977dup on transcript NM_006642.5 (MANE Select); coding-DNA positions 966 to 977, 12 bases duplicated (AAGGAGCAGCTT).
Protein change: p.Arg323_Leu326dup.
Molecular consequence: inframe insertion.
Genome position (GRCh38, 1-based): chr1:243,316,791-243,316,802, AAGGAGCAGCTT duplicated; duplicating any 12 consecutive bases within chr1:243,316,790-243,316,802 gives the same sequence; the c. name uses the placement nearest the transcript's 3' end. VCF-style (leftmost placement, unchanged base first): chr1-243316789-G-GTAAGGAGCAGCT. GRCh37 (hg19) VCF-style: chr1-243480091-G-GTAAGGAGCAGCT.
Other names: c.966_977dup12 (NM_006642.3); c.63_74dup, p.Arg22_Leu25dup (NM_001350246.2, NM_001350247.2, NM_001350251.2); c.1062_1073dup, p.Arg355_Leu358dup (NM_001350248.2); c.672_683dup, p.Arg225_Leu228dup (NM_001350249.2).
Identifiers: ClinVar variation 1004338 (VCV001004338.11), dbSNP rs1365929568, ClinGen allele CA733843388.